The following is an entry in ClinVar:

ClinVar aggregate classification (germline): Uncertain significance (1 of 4 stars; one submission).

Allele frequency attached by ClinVar (database versions not stated): gnomAD exomes below 0.00001; gnomAD 0.00001; TOPMed 0.00001.
gnomAD v4.1: 3 of 1,613,704 alleles (0.00019%); highest among the groups gnomAD compares: Non-Finnish European, 0.00025%; no homozygotes.

Submission:

Labcorp Genetics (formerly Invitae), Labcorp
Classification: Uncertain significance. Last evaluated: 2021-10-19. Review status: criteria provided, single submitter. Criteria: Invitae Variant Classification Sherloc (09022015). Collection method: clinical testing. Allele origin: germline.
Comment: This sequence change replaces proline, which is neutral and non-polar, with alanine, which is neutral and non-polar, at codon 467 of the ADSSL1 protein (p.Pro467Ala). In summary, the available evidence is currently insufficient to determine the role of this variant in disease. Therefore, it has been classified as a Variant of Uncertain Significance. Algorithms developed to predict the effect of missense changes on protein structure and function output the following: SIFT: "Not Available"; PolyPhen-2: "Benign"; Align-GVGD: "Not Available". The alanine amino acid residue is found in multiple mammalian species, which suggests that this missense change does not adversely affect protein function. This variant has not been reported in the literature in individuals affected with ADSSL1-related conditions. This variant is not present in population databases (gnomAD no frequency).

NM_152328.5(ADSS1):c.1270C>G (p.Pro424Ala)

Gene: ADSS1 (adenylosuccinate synthase 1; plus strand). Cytogenetic location: 14q32.33.
Variant type: single nucleotide variant.
Coding change: c.1270C>G on transcript NM_152328.5 (MANE Select); coding-DNA position 1270, C replaced by G.
Protein change: p.Pro424Ala; replaces proline 424 with alanine.
Molecular consequence: missense variant.
Genome position (GRCh38, 1-based): chr14:104,746,334, C>G. VCF-style: chr14-104746334-C-G. GRCh37 (hg19) VCF-style: chr14-105212671-C-G.
Other names: c.655C>G, p.Pro219Ala (NM_001320424.1); c.1399C>G, p.Pro467Ala (NM_199165.2); short protein forms P219A, P424A, P467A.
Identifiers: ClinVar variation 1682027 (VCV001682027.6), dbSNP rs1405124042, ClinGen allele CA391245050.